The following is an entry in ClinVar:

ClinVar aggregate classification (germline): Uncertain significance (1 of 4 stars; one submission).

Submission:

Greenwood Genetic Center Diagnostic Laboratories, Greenwood Genetic Center
Classification: Uncertain significance. Last evaluated: 2023-10-13. Review status: criteria provided, single submitter. Criteria: ACMG Guidelines, 2015. Collection method: clinical testing. Allele origin: germline. Affected: yes.
Comment: PM2

NM_001190274.2(FBXO11):c.1032G>A (p.Met344Ile)

Gene: FBXO11 (F-box protein 11; minus strand). Cytogenetic location: 2p16.3.
Variant type: single nucleotide variant.
Coding change: c.1032G>A on transcript NM_001190274.2 (MANE Select); coding-DNA position 1032, G replaced by A.
Protein change: p.Met344Ile; replaces methionine 344 with isoleucine.
Molecular consequence: missense variant.
Genome position (GRCh38, 1-based): chr2:47,832,973, C>T on the plus strand (G>A on the coding strand, the complement: FBXO11 is on the minus strand). VCF-style: chr2-47832973-C-T. GRCh37 (hg19) VCF-style: chr2-48060112-C-T.
Other names: c.780G>A, p.Met260Ile (NM_001374325.1, NM_025133.4); short protein forms M260I, M344I.
Identifiers: ClinVar variation 2692549 (VCV002692549.1), dbSNP rs2531195093, ClinGen allele CA346766030.